The following is an entry in ClinVar:

NM_020937.4(FANCM):c.4318-2A>G

Gene: FANCM (FA complementation group M; plus strand). Cytogenetic location: 14q21.2.
Variant type: single nucleotide variant.
Coding change: c.4318-2A>G on transcript NM_020937.4 (MANE Select); the canonical splice acceptor site of the intron before coding-DNA position 4318, A replaced by G.
Molecular consequence: splice acceptor variant.
Genome position (GRCh38, 1-based): chr14:45,181,635, A>G. VCF-style: chr14-45181635-A-G. GRCh37 (hg19) VCF-style: chr14-45650838-A-G.
Other names: c.4240-2A>G (NM_001308133.2).
Identifiers: ClinVar variation 2023317 (VCV002023317.4), dbSNP rs1313143328, ClinGen allele CA389607247.

ClinVar aggregate classification (germline): Likely pathogenic (1 of 4 stars; one submission).

Conditions:
Fanconi anemia (FA). Also called: Fanconi's anemia. Identifiers: Orphanet 84, MedGen C0015625, MeSH D005199, MONDO:0019391.

Submission:

Labcorp Genetics (formerly Invitae), Labcorp
Classification: Likely pathogenic for Fanconi anemia. Last evaluated: 2022-08-09. Review status: criteria provided, single submitter. Criteria: Invitae Variant Classification Sherloc (09022015). Collection method: clinical testing. Allele origin: germline.
Comment: Algorithms developed to predict the effect of sequence changes on RNA splicing suggest that this variant may disrupt the consensus splice site. In summary, the currently available evidence indicates that the variant is pathogenic, but additional data are needed to prove that conclusively. Therefore, this variant has been classified as Likely Pathogenic. This variant has not been reported in the literature in individuals affected with FANCM-related conditions. This variant is not present in population databases (gnomAD no frequency). This sequence change affects an acceptor splice site in intron 15 of the FANCM gene. It is expected to disrupt RNA splicing. Variants that disrupt the donor or acceptor splice site typically lead to a loss of protein function (PMID: 16199547), and loss-of-function variants in FANCM are known to be pathogenic (PMID: 29895858, 30075111).

Literature cited by the submitters: PubMed 16199547; PubMed 29895858; PubMed 30075111.